The following is an entry in ClinVar:

ClinVar aggregate classification (germline): Uncertain significance (1 of 4 stars; one submission).

Submission:

Labcorp Genetics (formerly Invitae), Labcorp
Classification: Uncertain significance. Last evaluated: 2025-03-24. Review status: criteria provided, single submitter. Criteria: Invitae Variant Classification Sherloc (09022015). Collection method: clinical testing. Allele origin: germline.
Comment: This sequence change creates a premature translational stop signal (p.Trp859*) in the CTNNA1 gene. While this is not anticipated to result in nonsense mediated decay, it is expected to disrupt the last 48 amino acid(s) of the CTNNA1 protein. This variant is not present in population databases (gnomAD no frequency). This variant has not been reported in the literature in individuals affected with CTNNA1-related conditions. ClinVar contains an entry for this variant (Variation ID: 3007287). Experimental studies and prediction algorithms are not available or were not evaluated, and the functional significance of this variant is currently unknown. In summary, the available evidence is currently insufficient to determine the role of this variant in disease. Therefore, it has been classified as a Variant of Uncertain Significance.

NM_001903.5(CTNNA1):c.2576G>A (p.Trp859Ter)

Gene: CTNNA1 (catenin alpha 1; plus strand). Cytogenetic location: 5q31.2.
Variant type: single nucleotide variant.
Coding change: c.2576G>A on transcript NM_001903.5 (MANE Select); coding-DNA position 2576, G replaced by A.
Protein change: p.Trp859Ter; replaces tryptophan 859 with a stop codon.
Molecular consequence: nonsense. On other transcripts: 3 prime UTR variant (5).
Genome position (GRCh38, 1-based): chr5:138,933,944, G>A. VCF-style: chr5-138933944-G-A. GRCh37 (hg19) VCF-style: chr5-138269633-G-A.
Other names: c.*121G>A (NM_001290307.3, NM_001324002.1, NM_001324003.1 and 2 more transcripts); c.2267G>A, p.Trp756Ter (NM_001290309.3); c.2207G>A, p.Trp736Ter (NM_001290310.3); c.1466G>A, p.Trp489Ter (NM_001290312.1, NM_001323987.1, NM_001323988.1 and 12 more transcripts); c.2576G>A, p.Trp859Ter (NM_001323982.2, NM_001323983.1, NM_001323984.2); c.2549G>A, p.Trp850Ter (NM_001323985.2); c.2483G>A, p.Trp828Ter (NM_001323986.2); c.1331G>A, p.Trp444Ter (NM_001324001.1); and 3 more; short protein forms W376*, W756*, W850*, W408*, W458*, W736*, W444*, W489*.
Identifiers: ClinVar variation 3007287 (VCV003007287.3), dbSNP rs2150359386, ClinGen allele CA361135511.